The following is an entry in ClinVar:

ClinVar aggregate classification (germline): Uncertain significance. Review status: criteria provided, multiple submitters, no conflicts (2 of 4 stars). 2 submissions from 2 submitters: Uncertain significance (2). Last evaluated 2025-05-20.

Conditions:
5-Oxoprolinase deficiency (OPLAHD). Also called: 5-OXOPROLINURIA DUE TO 5-OXOPROLINASE DEFICIENCY. Identifiers: Orphanet 33572, MedGen C0268525, MONDO:0009825, OMIM 260005, HP:0040142.

Allele frequency attached by ClinVar (database versions not stated): 1000 Genomes Project 30x 0.00078; gnomAD 0.00078; TOPMed 0.00084; 1000 Genomes Project 0.00080; ExAC 0.00085; ESP Exome Variant Server 0.00094.
gnomAD v4.1: 2,851 of 1,606,318 alleles (0.18%); highest among the groups gnomAD compares: Non-Finnish European, 0.23%; 3 homozygotes.

Submissions (2):

Ambry Genetics
Classification: Uncertain significance. Last evaluated: 2025-05-20. Review status: criteria provided, single submitter. Criteria: Ambry Variant Classification Scheme 2023. Collection method: clinical testing. Allele origin: germline.

Labcorp Genetics (formerly Invitae), Labcorp
Classification: Uncertain significance for 5-Oxoprolinase deficiency. Last evaluated: 2022-05-16. Review status: criteria provided, single submitter. Criteria: Invitae Variant Classification Sherloc (09022015). Collection method: clinical testing. Allele origin: germline.
Comment: This sequence change replaces arginine, which is basic and polar, with cysteine, which is neutral and slightly polar, at codon 969 of the OPLAH protein (p.Arg969Cys). This variant is present in population databases (rs201664395, gnomAD 0.1%), and has an allele count higher than expected for a pathogenic variant. This variant has not been reported in the literature in individuals affected with OPLAH-related conditions. Algorithms developed to predict the effect of missense changes on protein structure and function are either unavailable or do not agree on the potential impact of this missense change (SIFT: "Not Available"; PolyPhen-2: "Benign"; Align-GVGD: "Not Available"). In summary, the available evidence is currently insufficient to determine the role of this variant in disease. Therefore, it has been classified as a Variant of Uncertain Significance.

NM_017570.5(OPLAH):c.2905C>T (p.Arg969Cys)

Gene: OPLAH (5-oxoprolinase, ATP-hydrolysing; minus strand). Cytogenetic location: 8q24.3.
Variant type: single nucleotide variant.
Coding change: c.2905C>T on transcript NM_017570.5 (MANE Select); coding-DNA position 2905, C replaced by T.
Protein change: p.Arg969Cys; replaces arginine 969 with cysteine.
Molecular consequence: missense variant.
Genome position (GRCh38, 1-based): chr8:144,053,096, G>A on the plus strand (C>T on the coding strand, the complement: OPLAH is on the minus strand). VCF-style: chr8-144053096-G-A. GRCh37 (hg19) VCF-style: chr8-145107999-G-A.
Other names: short protein forms R969C.
Identifiers: ClinVar variation 2041817 (VCV002041817.3), dbSNP rs201664395, ClinGen allele CA4931293.
Genomic context (GRCh38, chr8:144,053,096, plus strand): 5'-GGTCTTCCGAGGACACCTCCAGGGGCAGGCCCCGGGCCTGCCGGGAGGTTCCAAAGGCAC[G>A]CAACATGTCTCGCACGGCCAGCTCAGCGTTTGCCTGGCAGGGAGCAGGATCAGTGGTGGC-3'
Protein context (NP_060040.1, residues 959-979): NAELAVRDML[Arg969Cys]AFGTSRQARG